The following is an entry in ClinVar:

ClinVar aggregate classification (germline): Uncertain significance (1 of 4 stars; one submission).

gnomAD v4.1: 3 of 1,610,804 alleles (0.00019%); highest among the groups gnomAD compares: Non-Finnish European, 0.00025%; no homozygotes.

Submission:

Labcorp Genetics (formerly Invitae), Labcorp
Classification: Uncertain significance. Last evaluated: 2021-07-26. Review status: criteria provided, single submitter. Criteria: Invitae Variant Classification Sherloc (09022015). Collection method: clinical testing. Allele origin: germline.
Comment: In summary, the available evidence is currently insufficient to determine the role of this variant in disease. Therefore, it has been classified as a Variant of Uncertain Significance. Algorithms developed to predict the effect of missense changes on protein structure and function are either unavailable or do not agree on the potential impact of this missense change (SIFT: "Deleterious"; PolyPhen-2: "Benign"; Align-GVGD: "Class C0"). This variant has not been reported in the literature in individuals affected with COL11A2-related conditions. This variant is not present in population databases (ExAC no frequency). This sequence change replaces phenylalanine with leucine at codon 454 of the COL11A2 protein (p.Phe454Leu). The phenylalanine residue is highly conserved and there is a small physicochemical difference between phenylalanine and leucine.

NM_080680.3(COL11A2):c.1360T>C (p.Phe454Leu)

Gene: COL11A2 (collagen type XI alpha 2 chain; minus strand). Cytogenetic location: 6p21.32.
Variant type: single nucleotide variant.
Coding change: c.1360T>C on transcript NM_080680.3 (MANE Select); coding-DNA position 1360, T replaced by C.
Protein change: p.Phe454Leu; replaces phenylalanine 454 with leucine.
Molecular consequence: missense variant.
Genome position (GRCh38, 1-based): chr6:33,179,805, A>G on the plus strand (T>C on the coding strand, the complement: COL11A2 is on the minus strand). VCF-style: chr6-33179805-A-G. GRCh37 (hg19) VCF-style: chr6-33147582-A-G.
Other names: c.1039T>C, p.Phe347Leu (NM_080679.3); c.1102T>C, p.Phe368Leu (NM_080681.3); short protein forms F368L, F347L, F454L.
Identifiers: ClinVar variation 1367907 (VCV001367907.8), dbSNP rs2150582563, ClinGen allele CA363606100.
Genomic context (GRCh38, chr6:33,179,805, plus strand): 5'-CCTGAGCCTCCTGGGCCGCCACCACAGGGCCCTTGTCACCCCCACCACTGCCAAACCGGA[A>G]CTGAGGTCAAGGAGAGAAGGTCCAGGTTCTCTTCCAAGAAAGCCATGGGACCCTCCCAGC-3'
Protein context (NP_542411.2, residues 444-464): GPPGTSLMLP[Phe454Leu]RFGSGGGDKG